The following is an entry in ClinVar:

ClinVar aggregate classification (germline): Benign. Review status: criteria provided, multiple submitters, no conflicts (2 of 4 stars). 3 submissions from 3 submitters: Benign (3). Last evaluated 2021-07-14.

Conditions:
Hereditary spastic paraplegia 50 (SPG50). Also called: Spastic paraplegia 50, autosomal recessive. Identifiers: Orphanet 280763, MedGen C2752008, MONDO:0013048, OMIM 612936.

Allele frequency attached by ClinVar (database versions not stated): TOPMed 0.25660; gnomAD 0.26357 and 0.26897; ESP Exome Variant Server 0.26834; ExAC 0.29114; 1000 Genomes Project 30x 0.29731; 1000 Genomes Project 0.30312.
gnomAD v4.1: 478,220 of 1,611,980 alleles (30%); highest among the groups gnomAD compares: East Asian, 42%; 72,790 homozygotes.

Submissions (3):

Genome-Nilou Lab
Classification: Benign for Hereditary spastic paraplegia 50. Last evaluated: 2021-07-14. Review status: criteria provided, single submitter. Criteria: ACMG Guidelines, 2015. Collection method: clinical testing. Allele origin: germline. Affected: no.

GeneDx
Classification: Benign. Last evaluated: 2018-06-14. Review status: criteria provided, single submitter. Criteria: GeneDx Variant Classification (06012015). Collection method: clinical testing. Allele origin: germline. Affected: yes.
Comment: This variant is considered likely benign or benign based on one or more of the following criteria: it is a conservative change, it occurs at a poorly conserved position in the protein, it is predicted to be benign by multiple in silico algorithms, and/or has population frequency not consistent with disease.

Breakthrough Genomics
Classification: Benign. Review status: criteria provided, single submitter. Criteria: ACMG Guidelines, 2015. Collection method: not provided. Allele origin: germline. Inheritance: Autosomal recessive inheritance. Affected: yes.

NM_004722.4(AP4M1):c.1025+44T>C

Gene: AP4M1 (adaptor related protein complex 4 subunit mu 1; plus strand). Cytogenetic location: 7q22.1.
Variant type: single nucleotide variant.
Coding change: c.1025+44T>C on transcript NM_004722.4 (MANE Select); 44 bases into the intron after coding-DNA position 1025, T replaced by C.
Molecular consequence: intron variant.
Genome position (GRCh38, 1-based): chr7:100,106,335, T>C. VCF-style: chr7-100106335-T-C. GRCh37 (hg19) VCF-style: chr7-99703958-T-C.
Other names: c.1046+44T>C (NM_001363671.2).
Identifiers: ClinVar variation 680070 (VCV000680070.6), dbSNP rs2293479, ClinGen allele CA4374943.